The following is an entry in ClinVar:

NM_005633.4(SOS1):c.407A>G (p.Tyr136Cys)

Gene: SOS1 (SOS Ras/Rac guanine nucleotide exchange factor 1; minus strand). Cytogenetic location: 2p22.1.
Variant type: single nucleotide variant.
Coding change: c.407A>G on transcript NM_005633.4 (MANE Select); coding-DNA position 407, A replaced by G.
Protein change: p.Tyr136Cys; replaces tyrosine 136 with cysteine.
Molecular consequence: missense variant.
Genome position (GRCh38, 1-based): chr2:39,056,805, T>C on the plus strand (A>G on the coding strand, the complement: SOS1 is on the minus strand). VCF-style: chr2-39056805-T-C. GRCh37 (hg19) VCF-style: chr2-39283946-T-C.
Other names: c.386A>G, p.Tyr129Cys (NM_001382394.1); c.407A>G, p.Tyr136Cys (NM_001382395.1); short protein forms Y129C, Y136C.
Identifiers: ClinVar variation 3368612 (VCV003368612.2).
Genomic context (GRCh38, chr2:39,056,805, plus strand): 5'-TCATAATGCCGTATATTTCTTACATAATTCCCAACCAGCTTTAAAATGTCTGCAGAAATG[T>C]ATTCTAAGACTGCTACTATGTAAACAGAAACCTGGTGGTCAATTTTATAACCTAGGACCT-3'
Protein context (NP_005624.2, residues 126-146): VSVYIVAVLE[Tyr136Cys]ISADILKLVG

ClinVar aggregate classification (germline): Uncertain significance (1 of 4 stars; one submission).

gnomAD v4.1: 1 of 1,604,544 alleles (0.000062%); highest among the groups gnomAD compares: Non-Finnish European, 0.000085%; no homozygotes.

Submission:

GeneDx
Classification: Uncertain significance. Last evaluated: 2026-04-15. Review status: criteria provided, single submitter. Criteria: GeneDx Variant Classification Process June 2021. Collection method: clinical testing. Allele origin: germline.
Comment: In silico analysis supports that this missense variant has a deleterious effect on protein structure/function; Missense variants in this gene are a common cause of disease and they are underrepresented in the general population; Has not been previously published as pathogenic or benign to our knowledge; This variant is associated with the following publications: (PMID: 29493581)